The following is an entry in ClinVar:

NM_025114.4(CEP290):c.4133_4134del (p.Ile1378fs)

Gene: CEP290 (centrosomal protein 290; minus strand). Cytogenetic location: 12q21.32.
Variant type: Deletion.
Coding change: c.4133_4134del on transcript NM_025114.4 (MANE Select); coding-DNA positions 4133 to 4134, 2 bases deleted (TA; older notation c.4133_4134delTA).
Protein change: p.Ile1378fs; shifts the reading frame from isoleucine 1378.
Molecular consequence: frameshift variant.
Genome position (GRCh38, 1-based): chr12:88,087,840-88,087,841, TA deleted on the plus strand (TA on the coding strand, the reverse complement: CEP290 is on the minus strand); deleting any 2 consecutive bases within chr12:88,087,840-88,087,842 gives the same sequence; the c. name uses the placement nearest the transcript's 3' end. VCF-style (leftmost placement, unchanged base first): chr12-88087839-TTA-T. GRCh37 (hg19) VCF-style: chr12-88481616-TTA-T.
Other names: c.4133_4134del (NM_025114.3); short protein forms I1378fs.
Identifiers: ClinVar variation 1920474 (VCV001920474.6), dbSNP rs2036712105, ClinGen allele CA2052917385.

ClinVar aggregate classification (germline): Pathogenic/Likely pathogenic. Review status: criteria provided, multiple submitters, no conflicts (2 of 4 stars). 2 submissions from 2 submitters: Pathogenic (1); Likely pathogenic (1). Last evaluated 2025-11-03.

Conditions:
Leber congenital amaurosis (LCA). Also called: Leber's amaurosis. Identifiers: Orphanet 65, MedGen C0339527, MeSH D057130, MONDO:0018998.
Joubert syndrome. Also called: CEREBELLOPARENCHYMAL DISORDER IV; JOUBERT-BOLTSHAUSER SYNDROME; Familial aplasia of the vermis. Identifiers: Orphanet 475, MedGen C5979921, MONDO:0018772.
Meckel-Gruber syndrome. Also called: DYSENCEPHALIA SPLANCHNOCYSTICA; GRUBER SYNDROME; Dysencephalia splachnocystica. Identifiers: Orphanet 564, MedGen C0265215, MONDO:0018921.
Nephronophthisis. Also called: Juvenile Nephronophthisis. Identifiers: Orphanet 655, MedGen C0687120, MONDO:0019005, HP:0000090.

Submissions (2):

Labcorp Genetics (formerly Invitae), Labcorp
Classification: Pathogenic for Joubert syndrome; Meckel-Gruber syndrome; Nephronophthisis. Last evaluated: 2025-11-03. Review status: criteria provided, single submitter. Criteria: Invitae Variant Classification Sherloc (09022015). Collection method: clinical testing. Allele origin: germline.
Comment: This sequence change creates a premature translational stop signal (p.Ile1378Asnfs*3) in the CEP290 gene. It is expected to result in an absent or disrupted protein product. Loss-of-function variants in CEP290 are known to be pathogenic (PMID: 16909394, 17345604, 20690115). This variant is not present in population databases (gnomAD no frequency). This variant has not been reported in the literature in individuals affected with CEP290-related conditions. ClinVar contains an entry for this variant (Variation ID: 1920474). Algorithms developed to predict the effect of sequence changes on RNA splicing suggest that this variant may disrupt the consensus splice site. For these reasons, this variant has been classified as Pathogenic.

Natera, Inc.
Classification: Likely pathogenic for Leber congenital amaurosis. Last evaluated: 2025-09-22. Review status: criteria provided, single submitter. Criteria: Natera Variant Classification Schema (03/2026). Collection method: clinical testing. Allele origin: germline.
Comment: The c.4133_4134del variant in CEP290 is a frameshift variant predicted to shift the reading frame beginning at codon 1378 and leads to a stop codon 3 codons downstream. This variant is expected to result in nonsense mediated decay, truncation, or a dysfunctional protein product. This variant is rare in the general population with a frequency below the threshold expected for the associated phenotype(s). Given the available evidence, this variant is classified as Likely Pathogenic.

Literature cited by the submitters: PubMed 16909394 (cited by Labcorp Genetics (formerly Invitae), Labcorp); PubMed 17345604 (cited by Labcorp Genetics (formerly Invitae), Labcorp); PubMed 20690115 (cited by Labcorp Genetics (formerly Invitae), Labcorp).